The following is an entry in ClinVar:

ClinVar aggregate classification (germline): Uncertain significance (1 of 4 stars; one submission).

Submission:

GeneDx
Classification: Uncertain significance. Last evaluated: 2024-02-15. Review status: criteria provided, single submitter. Criteria: GeneDx Variant Classification Process June 2021. Collection method: clinical testing. Allele origin: germline. Affected: yes.
Comment: Not observed at significant frequency in large population cohorts (gnomAD); Frameshift variant predicted to result in abnormal protein length as the last 63 amino acids are replaced with 3 different amino acids; Has not been previously published as pathogenic or benign to our knowledge

NM_033343.4(LHX4):c.983_999del (p.Asn328fs)

Genes: ACBD6 (acyl-CoA binding domain containing 6; minus strand), LHX4 (LIM homeobox 4; plus strand), LHX4-AS1 (LHX4 antisense RNA 1; minus strand). Cytogenetic location: 1q25.2.
Variant type: Deletion.
Coding change: c.983_999del on transcript NM_033343.4 (MANE Select); coding-DNA positions 983 to 999, 17 bases deleted (ATGGGCTGGATTACACG).
Protein change: p.Asn328fs; shifts the reading frame from asparagine 328.
Molecular consequence: frameshift variant.
Genome position (GRCh38, 1-based): chr1:180,274,389-180,274,405, ATGGGCTGGATTACACG deleted. VCF-style (leftmost placement, unchanged base first): chr1-180274388-AATGGGCTGGATTACACG-A. GRCh37 (hg19) VCF-style: chr1-180243523-AATGGGCTGGATTACACG-A.
Other names: short protein forms N328fs.
Identifiers: ClinVar variation 3369054 (VCV003369054.1).